The following is an entry in ClinVar:

ClinVar aggregate classification (germline): Uncertain significance (1 of 4 stars; one submission).

Conditions:
Trichorhinophalangeal syndrome, type III (TRPS3). Also called: SUGIO-KAJII SYNDROME. Identifiers: Orphanet 77258, MedGen C1860823, OMIM 190351, MONDO:0008597.
Trichorhinophalangeal dysplasia type I (TRPS1). Also called: TRPS I; TRICHORHINOPHALANGEAL SYNDROME, TYPE I. Identifiers: Orphanet 77258, MedGen C0432233, MONDO:0008596, OMIM 190350.

Allele frequency attached by ClinVar (database versions not stated): gnomAD exomes below 0.00001.
gnomAD v4.1: 1 of 1,614,106 alleles (0.000062%); highest among the groups gnomAD compares: South Asian, 0.0011%; no homozygotes.

Submission:

Labcorp Genetics (formerly Invitae), Labcorp
Classification: Uncertain significance for Trichorhinophalangeal syndrome, type III; Trichorhinophalangeal dysplasia type I. Last evaluated: 2022-07-18. Review status: criteria provided, single submitter. Criteria: Invitae Variant Classification Sherloc (09022015). Collection method: clinical testing. Allele origin: germline.
Comment: This variant has not been reported in the literature in individuals affected with TRPS1-related conditions. This sequence change replaces aspartic acid, which is acidic and polar, with alanine, which is neutral and non-polar, at codon 766 of the TRPS1 protein (p.Asp766Ala). This variant is not present in population databases (gnomAD no frequency). ClinVar contains an entry for this variant (Variation ID: 1501162). Algorithms developed to predict the effect of missense changes on protein structure and function are either unavailable or do not agree on the potential impact of this missense change (SIFT: "Deleterious"; PolyPhen-2: "Possibly Damaging"; Align-GVGD: "Class C15"). In summary, the available evidence is currently insufficient to determine the role of this variant in disease. Therefore, it has been classified as a Variant of Uncertain Significance.

NM_014112.5(TRPS1):c.2297A>C (p.Asp766Ala)

Gene: TRPS1 (transcriptional repressor GATA binding 1; minus strand). Cytogenetic location: 8q23.3.
Variant type: single nucleotide variant.
Coding change: c.2297A>C on transcript NM_014112.5 (MANE Select); coding-DNA position 2297, A replaced by C.
Protein change: p.Asp766Ala; replaces aspartic acid 766 with alanine.
Molecular consequence: missense variant.
Genome position (GRCh38, 1-based): chr8:115,587,404, T>G on the plus strand (A>C on the coding strand, the complement: TRPS1 is on the minus strand). VCF-style: chr8-115587404-T-G. GRCh37 (hg19) VCF-style: chr8-116599631-T-G.
Other names: c.2270A>C, p.Asp757Ala (NM_001282902.3); c.2276A>C, p.Asp759Ala (NM_001282903.3); c.2258A>C, p.Asp753Ala (NM_001330599.2); short protein forms D757A, D766A, D753A, D759A.
Identifiers: ClinVar variation 1501162 (VCV001501162.6), dbSNP rs1817588637, ClinGen allele CA372065427.